The following is an entry in ClinVar:

ClinVar aggregate classification (germline): Conflicting classifications of pathogenicity. Review status: criteria provided, conflicting classifications (1 of 4 stars). 9 submissions from 9 submitters: Uncertain significance (7); Benign (1); Likely benign (1). Last evaluated 2026-05-01.

Conditions:
Tuberous sclerosis syndrome (TSC). Also called: Tuberous Sclerosis Complex; Tuberous sclerosis. Identifiers: Orphanet 805, MedGen C0041341, MONDO:0001734.
Tuberous sclerosis 2 (TSC2). Identifiers: Orphanet 805, MedGen C1860707, MONDO:0013199, OMIM 613254.
Hereditary cancer-predisposing syndrome. Also called: Tumor predisposition; Hereditary Cancer Syndrome; Hereditary neoplastic syndrome; Neoplastic Syndromes, Hereditary. Identifiers: Orphanet 140162, MedGen C0027672, MeSH D009386, MONDO:0015356.

Allele frequency attached by ClinVar (database versions not stated): gnomAD 0.00001; gnomAD exomes 0.00001; TOPMed 0.00001.
gnomAD v4.1: 14 of 1,590,932 alleles (0.00088%); highest among the groups gnomAD compares: African/African-American, 0.004%; no homozygotes.

Submissions (9):

CeGaT Center for Human Genetics Tuebingen
Classification: Likely benign. Last evaluated: 2026-05-01. Review status: criteria provided, single submitter. Criteria: CeGaT Center For Human Genetics Tuebingen Variant Classification Criteria Version 2. Collection method: clinical testing. Allele origin: germline. Affected: yes. Observed: 1 variant allele.
Comment: TSC2: BP4

Labcorp Genetics (formerly Invitae), Labcorp
Classification: Benign for Tuberous sclerosis 2. Last evaluated: 2025-12-14. Review status: criteria provided, single submitter. Criteria: Invitae Variant Classification Sherloc (09022015). Collection method: clinical testing. Allele origin: germline.

Ambry Genetics
Classification: Uncertain significance for Hereditary cancer-predisposing syndrome. Last evaluated: 2024-05-17. Review status: criteria provided, single submitter. Criteria: Ambry Variant Classification Scheme 2023. Collection method: clinical testing. Allele origin: germline.
Comment: The p.A86V variant (also known as c.257C>T), located in coding exon 3 of the TSC2 gene, results from a C to T substitution at nucleotide position 257. The alanine at codon 86 is replaced by valine, an amino acid with similar properties. This amino acid position is not well conserved in available vertebrate species. In addition, this alteration is predicted to be tolerated by in silico analysis. Since supporting evidence is limited at this time, the clinical significance of this alteration remains unclear.

Color Diagnostics, LLC DBA Color Health
Classification: Uncertain significance for Tuberous sclerosis syndrome. Last evaluated: 2024-03-06. Review status: criteria provided, single submitter. Criteria: ACMG Guidelines, 2015. Collection method: clinical testing. Allele origin: germline.
Comment: This missense variant replaces alanine with valine at codon 86 of the TSC2 protein. Computational prediction suggests that this variant may not impact protein structure and function. To our knowledge, functional studies have not been reported for this variant. This variant has not been reported in individuals affected with tuberous sclerosis complex in the literature. This variant has been identified in 1/211160 chromosomes in the general population by the Genome Aggregation Database (gnomAD). The available evidence is insufficient to determine the role of this variant in disease conclusively. Therefore, this variant is classified as a Variant of Uncertain Significance.

All of Us Research Program, National Institutes of Health
Classification: Uncertain significance for Tuberous sclerosis syndrome. Last evaluated: 2023-06-26. Review status: criteria provided, single submitter. Criteria: ACMG Guidelines, 2015. Collection method: clinical testing. Allele origin: germline. Inheritance: Autosomal dominant inheritance. Observed: 1 variant allele, 1 heterozygote.
Comment: This missense variant replaces alanine with valine at codon 86 of the TSC2 protein. Computational prediction suggests that this variant may not impact protein structure and function (internally defined REVEL score threshold <= 0.5, PMID: 27666373). To our knowledge, functional studies have not been reported for this variant. This variant has not been reported in individuals affected with tuberous sclerosis complex in the literature. This variant has been identified in 1/211160 chromosomes in the general population by the Genome Aggregation Database (gnomAD). The available evidence is insufficient to determine the role of this variant in disease conclusively. Therefore, this variant is classified as a Variant of Uncertain Significance.

This study involves interpretation of variants in research participants for the purpose of population health screening. Participant phenotype was not available at the time of variant classification. Additional details can be found in publication PMID: 35346344, PMCID: PMC8962531

Sema4
Classification: Uncertain significance for Hereditary cancer-predisposing syndrome. Last evaluated: 2021-12-23. Review status: criteria provided, single submitter. Criteria: Sema4 Curation Guidelines. Collection method: curation. Allele origin: germline.
Comment: The TSC2 c.257C>T (p.A86V) variant has not been reported in the literature to our knowledge. This variant was observed in 1/12704 chromosomes in the African/African American population according to the Genome Aggregation Database (PMID: 32461654). This variant is reported in the population database Genome Aggregation Database (PMID: 32461654). This variant has been reported in ClinVar (Variation ID 578585). Functional studies have not been performed, and in silico predictions of the variant's effect on protein function are inconclusive. The overall evidence is insufficient to meet ACMG/AMP criteria for classifying it as benign or pathogenic. Thus, the clinical significance of this variant is currently uncertain.

Genome-Nilou Lab
Classification: Uncertain significance for Tuberous sclerosis 2. Last evaluated: 2021-11-07. Review status: criteria provided, single submitter. Criteria: ACMG Guidelines, 2015. Collection method: clinical testing. Allele origin: germline. Affected: no.

Institute for Clinical Genetics, University Hospital TU Dresden, University Hospital TU Dresden
Classification: Uncertain significance. Last evaluated: 2021-11-03. Review status: criteria provided, single submitter. Criteria: ACMG Guidelines, 2015. Collection method: clinical testing. Allele origin: germline.

GeneDx
Classification: Uncertain significance. Last evaluated: 2021-02-03. Review status: criteria provided, single submitter. Criteria: GeneDx Variant Classification Process June 2021. Collection method: clinical testing. Allele origin: germline. Affected: yes.
Comment: In silico analysis supports that this missense variant does not alter protein structure/function; Has not been previously published as pathogenic or benign to our knowledge

NM_000548.5(TSC2):c.257C>T (p.Ala86Val)

Gene: TSC2 (TSC complex subunit 2; plus strand). Cytogenetic location: 16p13.3.
Variant type: single nucleotide variant.
Coding change: c.257C>T on transcript NM_000548.5 (MANE Select); coding-DNA position 257, C replaced by T.
Protein change: p.Ala86Val; replaces alanine 86 with valine.
Molecular consequence: missense variant. On other transcripts: intron variant (2).
Genome position (GRCh38, 1-based): chr16:2,053,373, C>T. VCF-style: chr16-2053373-C-T. GRCh37 (hg19) VCF-style: chr16-2103374-C-T.
Other names: c.257C>T, p.Ala86Val (NM_001077183.3, NM_001114382.3, NM_001363528.2 and 3 more transcripts); c.110C>T, p.Ala37Val (NM_001318829.2); c.290C>T, p.Ala97Val (NM_001318832.2); c.226-923C>T (NM_001318827.2); c.-1-2823C>T (NM_001318831.2); short protein forms A86V, A97V, A37V.
Identifiers: ClinVar variation 578585 (VCV000578585.30), dbSNP rs1369594860, ClinGen allele CA394305574.